The following is an entry in ClinVar:

NM_001127649.3(PEX26):c.318C>G (p.Val106=)

Gene: PEX26 (peroxisomal biogenesis factor 26; plus strand). Cytogenetic location: 22q11.21.
Variant type: single nucleotide variant.
Coding change: c.318C>G on transcript NM_001127649.3 (MANE Select); coding-DNA position 318, C replaced by G.
Protein change: p.Val106=; no amino-acid change (valine 106 retained).
Molecular consequence: synonymous variant.
Genome position (GRCh38, 1-based): chr22:18,079,961, C>G. VCF-style: chr22-18079961-C-G. GRCh37 (hg19) VCF-style: chr22-18562727-C-G.
Other names: c.318C>G, p.Val106= (NM_001199319.2, NM_017929.6).
Identifiers: ClinVar variation 593904 (VCV000593904.18), dbSNP rs142072315, ClinGen allele CA10093287.

ClinVar aggregate classification (germline): Conflicting classifications of pathogenicity. Review status: criteria provided, conflicting classifications (1 of 4 stars). 4 submissions from 4 submitters: Uncertain significance (1); Likely benign (2). 1 of the submissions does not count toward it. Last evaluated 2025-10-13.

Conditions:
Peroxisome biogenesis disorder 7A (Zellweger). Also called: Peroxisome biogenesis disorder 7A. Identifiers: Orphanet 912, MedGen C3888385, MONDO:0013938, OMIM 614872.
Peroxisome biogenesis disorder 7B (PBD7B). Identifiers: Orphanet 44, MedGen C3553951, MONDO:0013939, OMIM 614873.
PEX26-related disorder. Also called: PEX26-related condition.

Allele frequency attached by ClinVar (database versions not stated): ExAC 0.00008; gnomAD exomes 0.00008 and 0.00009; ESP Exome Variant Server 0.00015; gnomAD 0.00023 and 0.00027; TOPMed 0.00032.
gnomAD v4.1: 151 of 1,613,948 alleles (0.0094%); highest among the groups gnomAD compares: African/African-American, 0.087%; no homozygotes.

Submissions (4):

Labcorp Genetics (formerly Invitae), Labcorp
Classification: Likely benign for Peroxisome biogenesis disorder 7A (Zellweger); Peroxisome biogenesis disorder 7B. Last evaluated: 2025-10-13. Review status: criteria provided, single submitter. Criteria: Invitae Variant Classification Sherloc (09022015). Collection method: clinical testing. Allele origin: germline.

Blueprint Genetics
Classification: Likely benign. Last evaluated: 2024-08-28. Review status: criteria provided, single submitter. Criteria: ACMG Guidelines, 2015. Collection method: clinical testing. Allele origin: germline.

Eurofins Ntd Llc (ga)
Classification: Uncertain significance. Last evaluated: 2018-06-19. Review status: criteria provided, single submitter. Criteria: EGL ClinVar v180209 classification definitions. Collection method: clinical testing. Allele origin: germline. Observed: 2 variant alleles, 2 heterozygotes.

PreventionGenetics, part of Exact Sciences
Classification: Likely benign for PEX26-related condition. Last evaluated: 2019-10-28. Review status: no assertion criteria provided. Collection method: clinical testing. Allele origin: germline. Not counted in ClinVar's aggregate classification.
Comment: This variant is classified as likely benign based on ACMG/AMP sequence variant interpretation guidelines (Richards et al. 2015 PMID: 25741868, with internal and published modifications).